The following is an entry in ClinVar:

ClinVar aggregate classification (germline): Likely pathogenic (1 of 4 stars; one submission).

Conditions:
Infantile-onset generalized dyskinesia with orofacial involvement. Also called: Dyskinesia, limb and orofacial, infantile-onset. Identifiers: Orphanet 494526, MedGen C5567464, MONDO:0044637, OMIM 616921.

Submission:

Diagnostics Services (NGS), CSIR - Centre For Cellular And Molecular Biology
Classification: Likely pathogenic for Infantile-onset generalized dyskinesia with orofacial involvement. Last evaluated: 2026-02-23. Review status: criteria provided, single submitter. Criteria: ACMG Guidelines, 2015. Collection method: clinical testing. Allele origin: germline. Observed: 1 variant allele, 1 heterozygote.
Comment: The c.193_200dup variant is not present in publicly available population databases like 1000 Genomes, EVS, gnomAD, Indian Exome Database or our internal database. This variant has neither been reported in the literature in individuals affected with PDE10A-related conditions nor reported to the clinical databases like Human Genome Mutation Database (HGMD), ClinVar or OMIM in any affected individuals. In-silico pathogenicity prediction programs like MutationTaster2, CADD, Varsome, Franklin etc predicted this variant to be likely deleterious. This variant causes frameshift at the 68th amino acid position of the wild-type transcript which creates a premature translational stop signal at the altered transcript that may either result in translation of a truncated protein or cause nonsense mediated decay of the mRNA.

NM_001385079.1(PDE10A):c.193_200dup (p.Pro68fs)

Gene: PDE10A (phosphodiesterase 10A; minus strand). Cytogenetic location: 6q27.
Variant type: Microsatellite.
Coding change: c.193_200dup on transcript NM_001385079.1 (MANE Select); coding-DNA positions 193 to 200, 8 bases duplicated (CCGCGCCC; older notation c.193_200dupCCGCGCCC).
Protein change: p.Pro68fs; shifts the reading frame from proline 68.
Molecular consequence: frameshift variant.
Genome position (GRCh38, 1-based): chr6:165,662,612-165,662,619, GGGCGCGG duplicated on the plus strand (CCGCGCCC on the coding strand, the reverse complement: PDE10A is on the minus strand); duplicating any 8 consecutive bases within chr6:165,662,612-165,662,627 gives the same sequence; the c. name uses the placement nearest the transcript's 3' end. VCF-style (leftmost placement, unchanged base first): chr6-165662611-C-CGGGCGCGG. GRCh37 (hg19) VCF-style: chr6-166076099-C-CGGGCGCGG.
Other names: short protein forms P68fs.
Identifiers: ClinVar variation 4849705 (VCV004849705.1).